The following is an entry in ClinVar:

ClinVar aggregate classification (germline): Benign/Likely benign. Review status: criteria provided, multiple submitters, no conflicts (2 of 4 stars). 3 submissions from 3 submitters: Benign (1); Likely benign (1). 1 of the submissions does not count toward it. Last evaluated 2025-11-25.

Conditions:
COL11A1-related disorder. Also called: COL11A1-related condition; COL11A1-related disorders.

Submissions (3):

Labcorp Genetics (formerly Invitae), Labcorp
Classification: Benign. Last evaluated: 2025-11-25. Review status: criteria provided, single submitter. Criteria: Invitae Variant Classification Sherloc (09022015). Collection method: clinical testing. Allele origin: germline.

Blueprint Genetics
Classification: Likely benign. Last evaluated: 2024-09-13. Review status: criteria provided, single submitter. Criteria: ACMG Guidelines, 2015. Collection method: clinical testing. Allele origin: germline.

PreventionGenetics, part of Exact Sciences
Classification: Likely benign for COL11A1-related condition. Last evaluated: 2023-02-09. Review status: no assertion criteria provided. Collection method: clinical testing. Allele origin: germline. Not counted in ClinVar's aggregate classification.
Comment: This variant is classified as likely benign based on ACMG/AMP sequence variant interpretation guidelines (Richards et al. 2015 PMID: 25741868, with internal and published modifications).

NM_001854.4(COL11A1):c.3817-14_3817-13del

Gene: COL11A1 (collagen type XI alpha 1 chain; minus strand). Cytogenetic location: 1p21.1.
Variant type: Deletion.
Coding change: c.3817-14_3817-13del on transcript NM_001854.4 (MANE Select); 14 bases into the intron before coding-DNA position 3817 through 13 bases into the intron before coding-DNA position 3817, 2 bases deleted (TT; older notation c.3817-14_3817-13delTT).
Molecular consequence: intron variant.
Genome position (GRCh38, 1-based): chr1:102,914,824-102,914,825, AA deleted on the plus strand (TT on the coding strand, the reverse complement: COL11A1 is on the minus strand); deleting any 2 consecutive bases within chr1:102,914,824-102,914,836 gives the same sequence; the c. name uses the placement nearest the transcript's 3' end. VCF-style (leftmost placement, unchanged base first): chr1-102914823-TAA-T. GRCh37 (hg19) VCF-style: chr1-103380379-TAA-T.
Other names: c.3700-14_3700-13del (NM_001190709.2); c.3853-14_3853-13del (NM_080629.3); c.3469-14_3469-13del (NM_080630.4); c.3817-14_3817-13delTT (NM_001854.3).
Identifiers: ClinVar variation 1599104 (VCV001599104.11), dbSNP rs34228277, ClinGen allele CA973812.